The following is an entry in ClinVar:

NM_002335.4(LRP5):c.2882C>T (p.Pro961Leu)

Gene: LRP5 (LDL receptor related protein 5; plus strand). Cytogenetic location: 11q13.2.
Variant type: single nucleotide variant.
Coding change: c.2882C>T on transcript NM_002335.4 (MANE Select); coding-DNA position 2882, C replaced by T.
Protein change: p.Pro961Leu; replaces proline 961 with leucine.
Molecular consequence: missense variant.
Genome position (GRCh38, 1-based): chr11:68,416,382, C>T. VCF-style: chr11-68416382-C-T. GRCh37 (hg19) VCF-style: chr11-68183850-C-T.
Other names: c.1139C>T, p.Pro380Leu (NM_001291902.2); short protein forms P380L, P961L.
Identifiers: ClinVar variation 1499350 (VCV001499350.8), dbSNP rs189095829, ClinGen allele CA6149782.

ClinVar aggregate classification (germline): Uncertain significance (1 of 4 stars; one submission).

Allele frequency attached by ClinVar (database versions not stated): TOPMed below 0.00001; gnomAD 0.00001.
gnomAD v4.1: 7 of 1,614,054 alleles (0.00043%); highest among the groups gnomAD compares: South Asian, 0.0033%; no homozygotes.

Submission:

Labcorp Genetics (formerly Invitae), Labcorp
Classification: Uncertain significance. Last evaluated: 2022-09-17. Review status: criteria provided, single submitter. Criteria: Invitae Variant Classification Sherloc (09022015). Collection method: clinical testing. Allele origin: germline.
Comment: This variant has not been reported in the literature in individuals affected with LRP5-related conditions. In summary, the available evidence is currently insufficient to determine the role of this variant in disease. Therefore, it has been classified as a Variant of Uncertain Significance. Advanced modeling of protein sequence and biophysical properties (such as structural, functional, and spatial information, amino acid conservation, physicochemical variation, residue mobility, and thermodynamic stability) performed at Invitae indicates that this missense variant is not expected to disrupt LRP5 protein function. ClinVar contains an entry for this variant (Variation ID: 1499350). This variant is present in population databases (rs189095829, gnomAD 0.002%). This sequence change replaces proline, which is neutral and non-polar, with leucine, which is neutral and non-polar, at codon 961 of the LRP5 protein (p.Pro961Leu).